The following is an entry in ClinVar:

ClinVar aggregate classification (germline): Uncertain significance (1 of 4 stars; one submission).

Conditions:
Holoprosencephaly 5 (HPE5). Identifiers: Orphanet 2162, MedGen C1864827, MONDO:0012322, OMIM 609637.

Allele frequency attached by ClinVar (database versions not stated): TOPMed 0.00002; 1000 Genomes Project 30x 0.00016.
gnomAD v4.1: 4 of 999,470 alleles (0.0004%); highest among the groups gnomAD compares: African/African-American, 0.007%; no homozygotes.

Submission:

Labcorp Genetics (formerly Invitae), Labcorp
Classification: Uncertain significance for Holoprosencephaly 5. Last evaluated: 2025-12-21. Review status: criteria provided, single submitter. Criteria: Invitae Variant Classification Sherloc (09022015). Collection method: clinical testing. Allele origin: germline.
Comment: This sequence change replaces glycine, which is neutral and non-polar, with alanine, which is neutral and non-polar, at codon 497 of the ZIC2 protein (p.Gly497Ala). The frequency data for this variant in the population databases is considered unreliable, as metrics indicate poor data quality at this position in the gnomAD database. This variant has not been reported in the literature in individuals affected with ZIC2-related conditions. ClinVar contains an entry for this variant (Variation ID: 2986600). Experimental studies and prediction algorithms are not available or were not evaluated, and the functional significance of this variant is currently unknown. In summary, the available evidence is currently insufficient to determine the role of this variant in disease. Therefore, it has been classified as a Variant of Uncertain Significance.

NM_007129.5(ZIC2):c.1490G>C (p.Gly497Ala)

Gene: ZIC2 (Zic family zinc finger 2; plus strand). Cytogenetic location: 13q32.3.
Variant type: single nucleotide variant.
Coding change: c.1490G>C on transcript NM_007129.5 (MANE Select); coding-DNA position 1490, G replaced by C.
Protein change: p.Gly497Ala; replaces glycine 497 with alanine.
Molecular consequence: missense variant.
Genome position (GRCh38, 1-based): chr13:99,985,573, G>C. VCF-style: chr13-99985573-G-C. GRCh37 (hg19) VCF-style: chr13-100637827-G-C.
Other names: short protein forms G497A.
Identifiers: ClinVar variation 2986600 (VCV002986600.3), dbSNP rs1003499674, ClinGen allele CA255397306.